The following is an entry in ClinVar:

ClinVar aggregate classification (germline): Uncertain significance. Review status: criteria provided, multiple submitters, no conflicts (2 of 4 stars). 4 submissions from 4 submitters: Uncertain significance (4). Last evaluated 2024-12-21.

Conditions:
Mitochondrial complex IV deficiency, nuclear type 4. Also called: Mitochondrial complex 4 deficiency, nuclear type 4. Identifiers: MedGen C5436683, MONDO:0033636, OMIM 619048.
Inborn genetic diseases. Identifiers: MedGen C0950123, MeSH D030342.
Leigh syndrome (NULS). Also called: Subacute necrotizing encephalopathy; Necrotizing encephalopathy infantile subacute of Leigh; Leigh's syndrome; Leigh Disease; LEIGH SYNDROME, NUCLEAR; Leigh's necrotizing encephalopathy. Identifiers: Orphanet 506, MedGen C2931891, MONDO:0009723, OMIM 256000.

Allele frequency attached by ClinVar (database versions not stated): ExAC 0.00006; gnomAD exomes 0.00006; gnomAD 0.00008; TOPMed 0.00008; ESP Exome Variant Server 0.00023; 1000 Genomes Project 30x 0.00031.
gnomAD v4.1: 290 of 1,614,124 alleles (0.018%); highest among the groups gnomAD compares: Non-Finnish European, 0.024%; no homozygotes.

Submissions (4):

Ambry Genetics
Classification: Uncertain significance for Inborn genetic diseases. Last evaluated: 2024-12-21. Review status: criteria provided, single submitter. Criteria: Ambry Variant Classification Scheme 2023. Collection method: clinical testing. Allele origin: germline.

GeneDx
Classification: Uncertain significance. Last evaluated: 2024-08-02. Review status: criteria provided, single submitter. Criteria: GeneDx Variant Classification Process June 2021. Collection method: clinical testing. Allele origin: germline. Affected: yes.
Comment: Not observed at significant frequency in large population cohorts (gnomAD); In silico analysis indicates that this missense variant does not alter protein structure/function; Has not been previously published as pathogenic or benign to our knowledge

Fulgent Genetics
Classification: Uncertain significance for Mitochondrial complex IV deficiency, nuclear type 4. Last evaluated: 2024-03-04. Review status: criteria provided, single submitter. Criteria: ACMG Guidelines, 2015. Collection method: clinical testing. Allele origin: germline.

Illumina Laboratory Services, Illumina
Classification: Uncertain significance for Leigh syndrome. Last evaluated: 2018-01-12. Review status: criteria provided, single submitter. Criteria: ICSL Variant Classification Criteria 13 December 2019. Collection method: clinical testing. Allele origin: germline.

NM_004589.4(SCO1):c.787A>G (p.Ile263Val)

Gene: SCO1 (synthesis of cytochrome C oxidase 1; minus strand). Cytogenetic location: 17p13.1.
Variant type: single nucleotide variant.
Coding change: c.787A>G on transcript NM_004589.4 (MANE Select); coding-DNA position 787, A replaced by G.
Protein change: p.Ile263Val; replaces isoleucine 263 with valine.
Molecular consequence: missense variant.
Genome position (GRCh38, 1-based): chr17:10,681,238, T>C on the plus strand (A>G on the coding strand, the complement: SCO1 is on the minus strand). VCF-style: chr17-10681238-T-C. GRCh37 (hg19) VCF-style: chr17-10584555-T-C.
Other names: short protein forms I263V.
Identifiers: ClinVar variation 215123 (VCV000215123.11), dbSNP rs111708860, ClinGen allele CA320005.